The following is an entry in ClinVar:

NM_003283.6(TNNT1):c.502-2A>G

Gene: TNNT1 (troponin T1, slow skeletal type; minus strand). Cytogenetic location: 19q13.42.
Variant type: single nucleotide variant.
Coding change: c.502-2A>G on transcript NM_003283.6 (MANE Select); the canonical splice acceptor site of the intron before coding-DNA position 502, A replaced by G.
Molecular consequence: splice acceptor variant.
Genome position (GRCh38, 1-based): chr19:55,137,214, T>C on the plus strand (A>G on the coding strand, the complement: TNNT1 is on the minus strand). VCF-style: chr19-55137214-T-C. GRCh37 (hg19) VCF-style: chr19-55648582-T-C.
Other names: c.469-2A>G (NM_001126133.3, NM_001291774.2); c.502-2A>G (NM_001126132.3).
Identifiers: ClinVar variation 569105 (VCV000569105.7), dbSNP rs1156410888, ClinGen allele CA407432872.

ClinVar aggregate classification (germline): Likely pathogenic (1 of 4 stars; one submission).

Conditions:
Nemaline myopathy 5 (NEM5A). Also called: NEMALINE MYOPATHY 5A, AUTOSOMAL RECESSIVE, SEVERE INFANTILE; NEMALINE MYOPATHY, AMISH TYPE; Nemaline myopathy 5, Amish type. Identifiers: Orphanet 98902, MedGen C1854380, MONDO:0011539, OMIM 605355.

Allele frequency attached by ClinVar (database versions not stated): gnomAD 0.00001; TOPMed 0.00001.
gnomAD v4.1: 1 of 1,610,086 alleles (0.000062%); highest among the groups gnomAD compares: African/African-American, 0.0013%; no homozygotes.

Submission:

Labcorp Genetics (formerly Invitae), Labcorp
Classification: Likely pathogenic for Nemaline myopathy 5. Last evaluated: 2023-07-10. Review status: criteria provided, single submitter. Criteria: Invitae Variant Classification Sherloc (09022015). Collection method: clinical testing. Allele origin: germline.
Comment: This sequence change affects an acceptor splice site in intron 10 of the TNNT1 gene. It is expected to disrupt RNA splicing. Variants that disrupt the donor or acceptor splice site typically lead to a loss of protein function (PMID: 16199547), and loss-of-function variants in TNNT1 are known to be pathogenic (PMID: 10952871, 24689076, 25430424). This variant is not present in population databases (gnomAD no frequency). This variant has not been reported in the literature in individuals affected with TNNT1-related conditions. ClinVar contains an entry for this variant (Variation ID: 569105). Algorithms developed to predict the effect of sequence changes on RNA splicing suggest that this variant may disrupt the consensus splice site. In summary, the currently available evidence indicates that the variant is pathogenic, but additional data are needed to prove that conclusively. Therefore, this variant has been classified as Likely Pathogenic.

Literature cited by the submitters: PubMed 16199547; PubMed 10952871; PubMed 24689076; PubMed 25430424.